The following is an entry in ClinVar:

NM_000293.3(PHKB):c.2766-14G>T

Gene: PHKB (phosphorylase kinase regulatory subunit beta; plus strand). Cytogenetic location: 16q12.1.
Variant type: single nucleotide variant.
Coding change: c.2766-14G>T on transcript NM_000293.3 (MANE Select); 14 bases into the intron before coding-DNA position 2766, G replaced by T.
Molecular consequence: intron variant.
Genome position (GRCh38, 1-based): chr16:47,693,364, G>T. VCF-style: chr16-47693364-G-T. GRCh37 (hg19) VCF-style: chr16-47727275-G-T.
Other names: c.2766-14G>T (NM_001363837.1); c.2745-14G>T (NM_001031835.3).
Identifiers: ClinVar variation 388875 (VCV000388875.8), dbSNP rs375250621, ClinGen allele CA8041329.

ClinVar aggregate classification (germline): Benign/Likely benign. Review status: criteria provided, multiple submitters, no conflicts (2 of 4 stars). 2 submissions from 2 submitters: Benign (1); Likely benign (1). Last evaluated 2026-02-01.

Conditions:
Glycogen storage disease IXb (GSD9B). Also called: PHOSPHORYLASE KINASE DEFICIENCY OF LIVER AND MUSCLE, AUTOSOMAL RECESSIVE; GLYCOGENOSIS OF LIVER AND MUSCLE, AUTOSOMAL RECESSIVE; GSD IXb. Identifiers: Orphanet 79240, MedGen C0543514, MONDO:0009868, OMIM 261750.

Allele frequency attached by ClinVar (database versions not stated): TOPMed 0.00020; ESP Exome Variant Server 0.00023; ExAC 0.00065.
gnomAD v4.1: 238 of 1,613,642 alleles (0.015%); highest among the groups gnomAD compares: Admixed American, 0.36%; 1 homozygote.

Submissions (2):

Labcorp Genetics (formerly Invitae), Labcorp
Classification: Benign for Glycogen storage disease IXb. Last evaluated: 2026-02-01. Review status: criteria provided, single submitter. Criteria: Invitae Variant Classification Sherloc (09022015). Collection method: clinical testing. Allele origin: germline.

GeneDx
Classification: Likely benign. Last evaluated: 2018-03-01. Review status: criteria provided, single submitter. Criteria: GeneDx Variant Classification (06012015). Collection method: clinical testing. Allele origin: germline. Affected: yes.
Comment: This variant is considered likely benign or benign based on one or more of the following criteria: it is a conservative change, it occurs at a poorly conserved position in the protein, it is predicted to be benign by multiple in silico algorithms, and/or has population frequency not consistent with disease.